The following is an entry in ClinVar:

ClinVar aggregate classification (germline): Uncertain significance (1 of 4 stars; one submission).

Conditions:
FG syndrome (FGS). Identifiers: MedGen C0220769, MONDO:0002010.

Submission:

Labcorp Genetics (formerly Invitae), Labcorp
Classification: Uncertain significance for FG syndrome. Last evaluated: 2022-09-02. Review status: criteria provided, single submitter. Criteria: Invitae Variant Classification Sherloc (09022015). Collection method: clinical testing. Allele origin: germline.
Comment: This sequence change replaces cysteine, which is neutral and slightly polar, with glycine, which is neutral and non-polar, at codon 601 of the MED12 protein (p.Cys601Gly). This variant is not present in population databases (gnomAD no frequency). This variant has not been reported in the literature in individuals affected with MED12-related conditions. Algorithms developed to predict the effect of missense changes on protein structure and function (SIFT, PolyPhen-2, Align-GVGD) all suggest that this variant is likely to be disruptive. In summary, the available evidence is currently insufficient to determine the role of this variant in disease. Therefore, it has been classified as a Variant of Uncertain Significance.

NM_005120.3(MED12):c.1801T>G (p.Cys601Gly)

Gene: MED12 (mediator complex subunit 12; plus strand). Cytogenetic location: Xq13.1.
Variant type: single nucleotide variant.
Coding change: c.1801T>G on transcript NM_005120.3 (MANE Select); coding-DNA position 1801, T replaced by G.
Protein change: p.Cys601Gly; replaces cysteine 601 with glycine.
Molecular consequence: missense variant.
Genome position (GRCh38, 1-based): chrX:71,124,215, T>G. VCF-style: chrX-71124215-T-G. GRCh37 (hg19) VCF-style: chrX-70344065-T-G.
Other names: short protein forms C601G.
Identifiers: ClinVar variation 1718704 (VCV001718704.6), dbSNP rs2519675271, ClinGen allele CA413509180.